The following is an entry in ClinVar:

ClinVar aggregate classification (germline): Likely benign (1 of 4 stars; one submission).

Submission:

CeGaT Center for Human Genetics Tuebingen
Classification: Likely benign. Last evaluated: 2025-04-01. Review status: criteria provided, single submitter. Criteria: CeGaT Center For Human Genetics Tuebingen Variant Classification Criteria Version 2. Collection method: clinical testing. Allele origin: germline. Affected: yes. Observed: 1 variant allele.
Comment: ERBB2: BP4, BP7

NM_004448.4(ERBB2):c.3165C>T (p.Gly1055=)

Gene: ERBB2 (erb-b2 receptor tyrosine kinase 2; plus strand). Cytogenetic location: 17q12.
Variant type: single nucleotide variant.
Coding change: c.3165C>T on transcript NM_004448.4 (MANE Select); coding-DNA position 3165, C replaced by T.
Protein change: p.Gly1055=; no amino-acid change (glycine 1055 retained).
Molecular consequence: synonymous variant. On other transcripts: non-coding transcript variant (1), intron variant (2).
Genome position (GRCh38, 1-based): chr17:39,727,300, C>T. VCF-style: chr17-39727300-C-T. GRCh37 (hg19) VCF-style: chr17-37883553-C-T.
Other names: c.3075C>T, p.Gly1025= (NM_001005862.3, NM_001382782.1, NM_001382783.1); c.3120C>T, p.Gly1040= (NM_001289936.2); c.3282C>T, p.Gly1094= (NM_001382784.1); c.3267C>T, p.Gly1089= (NM_001382785.1); c.3246C>T, p.Gly1082= (NM_001382786.1); c.3240C>T, p.Gly1080= (NM_001382787.1); c.3195C>T, p.Gly1065= (NM_001382788.1); c.3186C>T, p.Gly1062= (NM_001382789.1); and 17 more.
Identifiers: ClinVar variation 3904796 (VCV003904796.10).